The following is an entry in ClinVar:

ClinVar aggregate classification (germline): Likely benign. Review status: criteria provided, multiple submitters, no conflicts (2 of 4 stars). 3 submissions from 3 submitters: Likely benign (2). 1 of the submissions does not count toward it. Last evaluated 2026-08-01.

Conditions:
SPEN-related disorder. Also called: SPEN-related condition.

Allele frequency attached by ClinVar (database versions not stated): 1000 Genomes Project 30x 0.00031; 1000 Genomes Project 0.00040; gnomAD 0.00214; TOPMed 0.00216; ESP Exome Variant Server 0.00361.
gnomAD v4.1: 5,351 of 1,614,238 alleles (0.33%); highest among the groups gnomAD compares: Non-Finnish European, 0.42%; 14 homozygotes.

Submissions (3):

CeGaT Center for Human Genetics Tuebingen
Classification: Likely benign. Last evaluated: 2026-08-01. Review status: criteria provided, single submitter. Criteria: CeGaT Center For Human Genetics Tuebingen Variant Classification Criteria Version 2. Collection method: clinical testing. Allele origin: germline. Affected: yes. Observed: 11 variant alleles.
Comment: SPEN: BP4, BS1

Blueprint Genetics
Classification: Likely benign. Last evaluated: 2024-11-20. Review status: criteria provided, single submitter. Criteria: ACMG Guidelines, 2015. Collection method: clinical testing. Allele origin: germline.

PreventionGenetics, part of Exact Sciences
Classification: Likely benign for SPEN-related condition. Last evaluated: 2019-07-01. Review status: no assertion criteria provided. Collection method: clinical testing. Allele origin: germline. Not counted in ClinVar's aggregate classification.
Comment: This variant is classified as likely benign based on ACMG/AMP sequence variant interpretation guidelines (Richards et al. 2015 PMID: 25741868, with internal and published modifications).

NM_015001.3(SPEN):c.6699C>T (p.Phe2233=)

Gene: SPEN (spen family transcriptional repressor; plus strand). Cytogenetic location: 1p36.13.
Variant type: single nucleotide variant.
Coding change: c.6699C>T on transcript NM_015001.3 (MANE Select); coding-DNA position 6699, C replaced by T.
Protein change: p.Phe2233=; no amino-acid change (phenylalanine 2233 retained).
Molecular consequence: synonymous variant.
Genome position (GRCh38, 1-based): chr1:15,932,939, C>T. VCF-style: chr1-15932939-C-T. GRCh37 (hg19) VCF-style: chr1-16259434-C-T.
Other names: c.6699C>T (NM_015001.2).
Identifiers: ClinVar variation 2578564 (VCV002578564.27), dbSNP rs138786955, ClinGen allele CA619972.